The following is an entry in ClinVar:

ClinVar aggregate classification (germline): Benign. Review status: criteria provided, multiple submitters, no conflicts (2 of 4 stars). 6 submissions from 6 submitters: Benign (5). 1 of the submissions does not count toward it. Last evaluated 2026-02-04.

Conditions:
Glycogen storage disease due to lactate dehydrogenase M-subunit deficiency (GSD11). Also called: GSD XI; LACTATE DEHYDROGENASE A DEFICIENCY; Glycogen storage disease XI. Identifiers: Orphanet 284426, MedGen C2931743, MONDO:0013047, OMIM 612933.

Allele frequency attached by ClinVar (database versions not stated): TOPMed 0.63393; ExAC 0.69772; gnomAD exomes 0.71587 and 0.70429; 1000 Genomes Project 0.63458; gnomAD 0.64482 and 0.65026; ESP Exome Variant Server 0.62980; 1000 Genomes Project 30x 0.62742.

Submissions (6):

Labcorp Genetics (formerly Invitae), Labcorp
Classification: Benign for Glycogen storage disease due to lactate dehydrogenase M-subunit deficiency. Last evaluated: 2026-02-04. Review status: criteria provided, single submitter. Criteria: Invitae Variant Classification Sherloc (09022015). Collection method: clinical testing. Allele origin: germline.

Genome-Nilou Lab
Classification: Benign for Glycogen storage disease due to lactate dehydrogenase M-subunit deficiency. Last evaluated: 2021-08-19. Review status: criteria provided, single submitter. Criteria: ACMG Guidelines, 2015. Collection method: clinical testing. Allele origin: germline. Affected: no.

Illumina Laboratory Services, Illumina
Classification: Benign for Glycogen storage disease due to lactate dehydrogenase M-subunit deficiency. Last evaluated: 2018-01-12. Review status: criteria provided, single submitter. Criteria: ICSL Variant Classification Criteria 13 December 2019. Collection method: clinical testing. Allele origin: germline.
Comment: This variant was observed in the ICSL laboratory as part of a predisposition screen in an ostensibly healthy population. It had not been previously curated by ICSL or reported in the Human Gene Mutation Database (HGMD: prior to June 1st, 2018), and was therefore a candidate for classification through an automated scoring system. Utilizing variant allele frequency, disease prevalence and penetrance estimates, and inheritance mode, an automated score was calculated to assess if this variant is too frequent to cause the disease. Based on the score and internal cut-off values, a variant classified as benign is not then subjected to further curation. The score for this variant resulted in a classification of benign for this disease.

GeneDx
Classification: Benign. Last evaluated: 2015-12-02. Review status: criteria provided, single submitter. Criteria: GeneDx Variant Classification (06012015). Collection method: clinical testing. Allele origin: germline. Affected: yes.
Comment: This variant is considered likely benign or benign based on one or more of the following criteria: it is a conservative change, it occurs at a poorly conserved position in the protein, it is predicted to be benign by multiple in silico algorithms, and/or has population frequency not consistent with disease.

Breakthrough Genomics
Classification: Benign. Review status: criteria provided, single submitter. Criteria: ACMG Guidelines, 2015. Collection method: not provided. Allele origin: germline. Inheritance: Autosomal recessive inheritance. Affected: yes.

Mayo Clinic Laboratories, Mayo Clinic
Classification: Benign. Last evaluated: 2015-10-23. Review status: no assertion criteria provided. Collection method: clinical testing. Allele origin: unknown. Not counted in ClinVar's aggregate classification.

NM_005566.4(LDHA):c.519A>G (p.Leu173=)

Gene: LDHA (lactate dehydrogenase A; plus strand). Cytogenetic location: 11p15.1.
Variant type: single nucleotide variant.
Coding change: c.519A>G on transcript NM_005566.4 (MANE Select); coding-DNA position 519, A replaced by G.
Protein change: p.Leu173=; no amino-acid change (leucine 173 retained).
Molecular consequence: synonymous variant. On other transcripts: non-coding transcript variant (1).
Genome position (GRCh38, 1-based): chr11:18,402,940, A>G. VCF-style: chr11-18402940-A-G. GRCh37 (hg19) VCF-style: chr11-18424487-A-G.
Other names: c.345A>G, p.Leu115= (NM_001135239.2); c.606A>G, p.Leu202= (NM_001165414.2); c.519A>G, p.Leu173= (NM_001165415.2, NM_001165416.2).
Identifiers: ClinVar variation 303915 (VCV000303915.23), dbSNP rs4820, ClinGen allele CA5911317.